The following is an entry in ClinVar:

NM_001042492.3(NF1):c.603T>C (p.Phe201=)

Gene: NF1 (neurofibromin 1; plus strand). Cytogenetic location: 17q11.2.
Variant type: single nucleotide variant.
Coding change: c.603T>C on transcript NM_001042492.3 (MANE Select); coding-DNA position 603, T replaced by C.
Protein change: p.Phe201=; no amino-acid change (phenylalanine 201 retained).
Molecular consequence: synonymous variant.
Genome position (GRCh38, 1-based): chr17:31,181,438, T>C. VCF-style: chr17-31181438-T-C. GRCh37 (hg19) VCF-style: chr17-29508456-T-C.
Other names: c.603T>C, p.Phe201= (NM_000267.4, NM_001128147.3).
Identifiers: ClinVar variation 826152 (VCV000826152.12), dbSNP rs1597658060, ClinGen allele CA499206165.
Genomic context (GRCh38, chr17:31,181,438, plus strand): 5'-TAACTTATTCTAGAGTTAATTTTTAAAAATTGTGTTTTTTCCAGAAACAGCATTTAAATT[T>C]AAAGCCCTAAAGAAGGTTGCGCAGTTAGCAGTTATAAATAGCCTGGAAAAGGTAAGTTAC-3'
Protein context (NP_001035957.1, residues 191-211): KRLLKETAFK[Phe201=]KALKKVAQLA

ClinVar aggregate classification (germline): Benign/Likely benign. Review status: criteria provided, multiple submitters, no conflicts (2 of 4 stars). 4 submissions from 4 submitters: Benign (1); Likely benign (3). Last evaluated 2026-05-14.

Conditions:
Cardiovascular phenotype. Identifiers: MedGen CN230736.
Hereditary cancer-predisposing syndrome. Also called: Tumor predisposition; Hereditary Cancer Syndrome; Hereditary neoplastic syndrome; Neoplastic Syndromes, Hereditary. Identifiers: Orphanet 140162, MedGen C0027672, MeSH D009386, MONDO:0015356.
Neurofibromatosis, type 1 (NF1). Also called: NEUROFIBROMATOSIS, TYPE I, SOMATIC; Peripheral type neurofibromatosis; VON RECKLINGHAUSEN DISEASE; Neurofibromatosis, type I. Identifiers: Orphanet 636, MedGen C0027831, MONDO:0018975, OMIM 162200. Disease mechanism: loss of function.

gnomAD v4.1: 1 of 1,613,416 alleles (0.000062%); no homozygotes.

Submissions (4):

Myriad Genetics, Inc.
Classification: Benign for Neurofibromatosis, type 1. Last evaluated: 2026-05-14. Review status: criteria provided, single submitter. Criteria: Myriad Autosomal Dominant, Autosomal Recessive and X-Linked Classification Criteria (2023). Collection method: clinical testing. Allele origin: unknown.
Comment: This variant is considered benign. This variant is a silent/synonymous amino acid change and it is not expected to impact splicing.

Labcorp Genetics (formerly Invitae), Labcorp
Classification: Likely benign for Neurofibromatosis, type 1. Last evaluated: 2026-01-27. Review status: criteria provided, single submitter. Criteria: Invitae Variant Classification Sherloc (09022015). Collection method: clinical testing. Allele origin: germline.

Genome-Nilou Lab
Classification: Likely benign for Neurofibromatosis, type 1. Last evaluated: 2022-03-15. Review status: criteria provided, single submitter. Criteria: ACMG Guidelines, 2015. Collection method: clinical testing. Allele origin: germline. Affected: no.

Ambry Genetics
Classification: Likely benign for Cardiovascular phenotype; Hereditary cancer-predisposing syndrome. Last evaluated: 2019-08-22. Review status: criteria provided, single submitter. Criteria: Ambry Variant Classification Scheme 2023. Collection method: clinical testing. Allele origin: germline.